The following is an entry in ClinVar:

NM_177438.3(DICER1):c.3981C>T (p.Ile1327=)

Gene: DICER1 (dicer 1, ribonuclease III; minus strand). Cytogenetic location: 14q32.13.
Variant type: single nucleotide variant.
Coding change: c.3981C>T on transcript NM_177438.3 (MANE Select); coding-DNA position 3981, C replaced by T.
Protein change: p.Ile1327=; no amino-acid change (isoleucine 1327 retained).
Molecular consequence: synonymous variant.
Genome position (GRCh38, 1-based): chr14:95,103,415, G>A on the plus strand (C>T on the coding strand, the complement: DICER1 is on the minus strand). VCF-style: chr14-95103415-G-A. GRCh37 (hg19) VCF-style: chr14-95569752-G-A.
Other names: c.3981C>T, p.Ile1327= (NM_001195573.1, NM_001271282.3, NM_001291628.2 and 1 more transcripts).
Identifiers: ClinVar variation 479617 (VCV000479617.15), dbSNP rs1212847580, ClinGen allele CA487844264.

ClinVar aggregate classification (germline): Benign/Likely benign. Review status: criteria provided, multiple submitters, no conflicts (2 of 4 stars). 3 submissions from 3 submitters: Benign (1); Likely benign (2). Last evaluated 2026-04-17.

Conditions:
DICER1-related tumor predisposition. Also called: DICER1-related pleuropulmonary blastoma cancer predisposition syndrome; DICER1 syndrome. Identifiers: Orphanet 284343, MedGen C3839822, MONDO:0100216.
Hereditary cancer-predisposing syndrome. Also called: Hereditary neoplastic syndrome; Neoplastic Syndromes, Hereditary; Hereditary Cancer Syndrome; Tumor predisposition. Identifiers: Orphanet 140162, MedGen C0027672, MeSH D009386, MONDO:0015356.

Allele frequency attached by ClinVar (database versions not stated): TOPMed 0.00001; gnomAD 0.00001.
gnomAD v4.1: 1 of 1,614,088 alleles (0.000062%); highest among the groups gnomAD compares: African/African-American, 0.0013%; no homozygotes.

Submissions (3):

Myriad Genetics, Inc.
Classification: Benign for DICER1-related tumor predisposition. Last evaluated: 2026-04-17. Review status: criteria provided, single submitter. Criteria: Myriad Autosomal Dominant, Autosomal Recessive and X-Linked Classification Criteria (2023). Collection method: clinical testing. Allele origin: unknown.
Comment: This variant is considered benign. This variant is a silent/synonymous amino acid change and it is not expected to impact splicing.

Labcorp Genetics (formerly Invitae), Labcorp
Classification: Likely benign for DICER1-related tumor predisposition. Last evaluated: 2025-10-15. Review status: criteria provided, single submitter. Criteria: Invitae Variant Classification Sherloc (09022015). Collection method: clinical testing. Allele origin: germline.

Ambry Genetics
Classification: Likely benign for Hereditary cancer-predisposing syndrome. Last evaluated: 2017-06-28. Review status: criteria provided, single submitter. Criteria: Ambry Variant Classification Scheme 2023. Collection method: clinical testing. Allele origin: germline.